The following is an entry in ClinVar:

ClinVar aggregate classification (germline): Uncertain significance (1 of 4 stars; one submission).

Submission:

GeneDx
Classification: Uncertain significance. Last evaluated: 2025-03-17. Review status: criteria provided, single submitter. Criteria: GeneDx Variant Classification Process June 2021. Collection method: clinical testing. Allele origin: germline. Affected: yes.
Comment: Not observed at significant frequency in large population cohorts (gnomAD); In silico analysis supports that this missense variant has a deleterious effect on protein structure/function; Has not been previously published as pathogenic or benign to our knowledge

NM_000937.5(POLR2A):c.5125A>C (p.Thr1709Pro)

Gene: POLR2A (RNA polymerase II subunit A; plus strand). Cytogenetic location: 17p13.1.
Variant type: single nucleotide variant.
Coding change: c.5125A>C on transcript NM_000937.5 (MANE Select); coding-DNA position 5125, A replaced by C.
Protein change: p.Thr1709Pro; replaces threonine 1709 with proline.
Molecular consequence: missense variant.
Genome position (GRCh38, 1-based): chr17:7,513,389, A>C. VCF-style: chr17-7513389-A-C. GRCh37 (hg19) VCF-style: chr17-7416708-A-C.
Other names: short protein forms T1709P.
Identifiers: ClinVar variation 4086590 (VCV004086590.1).
Genomic context (GRCh38, chr17:7,513,389, plus strand): 5'-TCCCCTAGCTACTCGCCAACGTCTCCCAGCTACTCGCCGACATCTCCCAGCTACTCGCCA[A>C]CTTCACCCAGCTATTCTCCCACTTCTCCCAGCTACTCACCTACCTCTCCAAGCTATTCAC-3'
Protein context (NP_000928.1, residues 1699-1719): YSPTSPSYSP[Thr1709Pro]SPSYSPTSPS